The following is an entry in ClinVar:

ClinVar aggregate classification (germline): Conflicting classifications of pathogenicity. Review status: criteria provided, conflicting classifications (1 of 4 stars). 2 submissions from 2 submitters: Uncertain significance (1); Likely benign (1). Last evaluated 2023-03-23.

Conditions:
Hereditary cancer-predisposing syndrome. Also called: Hereditary Cancer Syndrome; Hereditary neoplastic syndrome; Tumor predisposition; Neoplastic Syndromes, Hereditary. Identifiers: Orphanet 140162, MedGen C0027672, MeSH D009386, MONDO:0015356.

Allele frequency attached by ClinVar (database versions not stated): gnomAD exomes below 0.00001.
gnomAD v4.1: 1 of 1,613,822 alleles (0.000062%); highest among the groups gnomAD compares: East Asian, 0.0022%; no homozygotes.

Submissions (2):

University of Washington Department of Laboratory Medicine, University of Washington
Classification: Likely benign for Hereditary cancer-predisposing syndrome. Last evaluated: 2023-03-23. Review status: criteria provided, single submitter. Criteria: Dines et al. (Genet Med. 2020). Collection method: curation. Allele origin: germline.
Comment: Missense variant in a coldspot region where missense variants are very unlikely to be pathogenic (PMID:31911673).

BRCA1 coldspot (exon 11 using historical exon numbering). Reclassification based on statistical prior probability

Ambry Genetics
Classification: Uncertain significance for Hereditary cancer-predisposing syndrome. Last evaluated: 2019-11-22. Review status: criteria provided, single submitter. Criteria: Ambry Variant Classification Scheme 2023. Collection method: clinical testing. Allele origin: germline.
Comment: The p.D821V variant (also known as c.2462A>T), located in coding exon 9 of the BRCA1 gene, results from an A to T substitution at nucleotide position 2462. The aspartic acid at codon 821 is replaced by valine, an amino acid with highly dissimilar properties. This amino acid position is not well conserved in available vertebrate species. In addition, the in silico prediction for this alteration is inconclusive. Since supporting evidence is limited at this time, the clinical significance of this alteration remains unclear.

NM_007294.4(BRCA1):c.2462A>T (p.Asp821Val)

Gene: BRCA1 (BRCA1 DNA repair associated; minus strand). Cytogenetic location: 17q21.31.
Variant type: single nucleotide variant.
Coding change: c.2462A>T on transcript NM_007294.4 (MANE Select); coding-DNA position 2462, A replaced by T.
Protein change: p.Asp821Val; replaces aspartic acid 821 with valine.
Molecular consequence: missense variant. On other transcripts: intron variant (137).
Genome position (GRCh38, 1-based): chr17:43,093,069, T>A on the plus strand (A>T on the coding strand, the complement: BRCA1 is on the minus strand). VCF-style: chr17-43093069-T-A. GRCh37 (hg19) VCF-style: chr17-41245086-T-A.
Other names: c.2249A>T, p.Asp750Val (NM_001407571.1, NM_001407853.1, NM_001407894.1 and 9 more transcripts); c.2462A>T, p.Asp821Val (NM_001407581.1, NM_001407582.1, NM_001407583.1 and 30 more transcripts); c.2459A>T, p.Asp820Val (NM_001407587.1, NM_001407590.1, NM_001407591.1 and 22 more transcripts); c.2453A>T, p.Asp818Val (NM_001407646.1, NM_001407647.1); c.2339A>T, p.Asp780Val (NM_001407648.1, NM_001407664.1, NM_001407665.1 and 19 more transcripts); c.2336A>T, p.Asp779Val (NM_001407649.1, NM_001407670.1, NM_001407671.1 and 11 more transcripts); c.2384A>T, p.Asp795Val (NM_001407653.1, NM_001407654.1, NM_001407655.1 and 4 more transcripts); c.2381A>T, p.Asp794Val (NM_001407659.1, NM_001407660.1, NM_001407661.1 and 1 more transcripts); and 41 more; short protein forms D820V, D525V, D710V, D750V, D754V, D773V, D780V, D821V.
Identifiers: ClinVar variation 1791648 (VCV001791648.4), dbSNP rs2154376261, ClinGen allele CA10597081.
Genomic context (GRCh38, chr17:43,093,069, plus strand): 5'-CGACTGTGGTTAACTTCATGTCCCAATGGATACTTAAAGCCTTCTGTGTCATTTCTATTA[T>A]CTTTGGAACAACCATGAATTAGTCCCTTGGGGTTTTCAAATGCTGCACACTGACTCACAC-3'
Protein context (NP_009225.1, residues 811-831): PKGLIHGCSK[Asp821Val]NRNDTEGFKY